The following is an entry in ClinVar:

ClinVar aggregate classification (germline): Likely pathogenic. Review status: criteria provided, multiple submitters, no conflicts (2 of 4 stars). 4 submissions from 4 submitters: Likely pathogenic (3). 1 of the submissions does not count toward it. Last evaluated 2023-06-27.

Conditions:
Familial cancer of breast. Also called: Hereditary breast cancer; BREAST CANCER, FAMILIAL; hereditary breast carcinoma. Identifiers: Orphanet 227535, MedGen C0346153, MONDO:0016419, OMIM 114480. Disease mechanism: loss of function.
Hereditary cancer-predisposing syndrome. Also called: Neoplastic Syndromes, Hereditary; Hereditary Cancer Syndrome; Hereditary neoplastic syndrome; Tumor predisposition. Identifiers: Orphanet 140162, MedGen C0027672, MeSH D009386, MONDO:0015356.
Gastric cancer. Also called: Stomach cancer; Malignant tumor of stomach. Identifiers: MedGen C0024623, MeSH D013274, MONDO:0001056, OMIM 613659, HP:0012126.

Submissions (4):

Myriad Genetics, Inc.
Classification: Likely pathogenic for Familial cancer of breast. Last evaluated: 2023-06-27. Review status: criteria provided, single submitter. Criteria: Myriad Autosomal Dominant, Autosomal Recessive and X-Linked Classification Criteria (2023). Collection method: clinical testing. Allele origin: unknown.
Comment: This variant is considered likely pathogenic. This variant occurs within a consensus splice junction and is predicted to result in abnormal mRNA splicing of either an out-of-frame exon or an in-frame exon necessary for protein stability and/or normal function.

Labcorp Genetics (formerly Invitae), Labcorp
Classification: Likely pathogenic for Familial cancer of breast. Last evaluated: 2022-03-11. Review status: criteria provided, single submitter. Criteria: Invitae Variant Classification Sherloc (09022015). Collection method: clinical testing. Allele origin: germline.
Comment: In summary, the currently available evidence indicates that the variant is pathogenic, but additional data are needed to prove that conclusively. Therefore, this variant has been classified as Likely Pathogenic. Algorithms developed to predict the effect of sequence changes on RNA splicing suggest that this variant may disrupt the consensus splice site. ClinVar contains an entry for this variant (Variation ID: 822474). This variant has not been reported in the literature in individuals affected with CHEK2-related conditions. This variant is not present in population databases (gnomAD no frequency). This sequence change affects an acceptor splice site in intron 7 of the CHEK2 gene. It is expected to disrupt RNA splicing. Variants that disrupt the donor or acceptor splice site typically lead to a loss of protein function (PMID: 16199547), and loss-of-function variants in CHEK2 are known to be pathogenic (PMID: 21876083, 24713400).

Ambry Genetics
Classification: Likely pathogenic for Hereditary cancer-predisposing syndrome. Last evaluated: 2019-08-05. Review status: criteria provided, single submitter. Criteria: Ambry Variant Classification Scheme 2023. Collection method: clinical testing. Allele origin: germline.
Comment: The c.847-2A>G intronic variant results from an A to G substitution two nucleotides upstream from coding exon 7 in the CHEK2 gene. This alteration has been reported with a carrier frequency of 0 in 7051 unselected breast cancer patients and 0.00009 in 11241 female controls of Japanese ancestry (Momozawa Y et al. Nat Commun, 2018 10;9:4083). This nucleotide position is highly conserved in available vertebrate species. Using the BDGP and ESEfinder splice site prediction tools, this alteration is predicted to abolish the native splice acceptor site; however, direct evidence is unavailable. Alterations that disrupt the canonical splice site are expected to cause aberrant splicing, resulting in an abnormal protein or a transcript that is subject to nonsense-mediated mRNA decay. As such, this alteration is classified as likely pathogenic.

Laboratory for Genotyping Development, RIKEN
Classification: Pathogenic for Gastric cancer. Last evaluated: 2021-07-01. Review status: no assertion criteria provided. Collection method: research. Allele origin: germline. Not counted in ClinVar's aggregate classification.

Literature cited by the submitters: PubMed 16199547 (cited by Labcorp Genetics (formerly Invitae), Labcorp); PubMed 21876083 (cited by Labcorp Genetics (formerly Invitae), Labcorp); PubMed 24713400 (cited by Labcorp Genetics (formerly Invitae), Labcorp); PubMed 30287823 (cited by Ambry Genetics); PubMed 36988593 (cited by Laboratory for Genotyping Development, RIKEN).

NM_007194.4(CHEK2):c.847-2A>G

Gene: CHEK2 (checkpoint kinase 2; minus strand). Cytogenetic location: 22q12.1.
Variant type: single nucleotide variant.
Coding change: c.847-2A>G on transcript NM_007194.4 (MANE Select); the canonical splice acceptor site of the intron before coding-DNA position 847, A replaced by G.
Molecular consequence: splice acceptor variant.
Genome position (GRCh38, 1-based): chr22:28,703,568, T>C on the plus strand (A>G on the coding strand, the complement: CHEK2 is on the minus strand). VCF-style: chr22-28703568-T-C. GRCh37 (hg19) VCF-style: chr22-29099556-T-C.
Other names: c.184-2A>G (NM_001437942.1, NM_001257387.3); c.646-2A>G (NM_001349956.3); c.847-2A>G (NM_145862.3); c.940-2A>G (NM_001438295.1, NM_001438293.1); c.976-2A>G (NM_001438294.1, NM_001005735.3).
Identifiers: ClinVar variation 822474 (VCV000822474.38), dbSNP rs1601753141, ClinGen allele CA411101395.